The following is an entry in ClinVar:

ClinVar aggregate classification (germline): Uncertain significance (1 of 4 stars; one submission).

Conditions:
Familial melanoma. Also called: Hereditary melanoma; Hereditary cutaneous melanoma. Identifiers: Orphanet 618, MedGen C1512419, MONDO:0018961.

Submission:

Labcorp Genetics (formerly Invitae), Labcorp
Classification: Uncertain significance for Familial melanoma. Last evaluated: 2026-01-04. Review status: criteria provided, single submitter. Criteria: Invitae Variant Classification Sherloc (09022015). Collection method: clinical testing. Allele origin: germline.
Comment: This sequence change creates a premature translational stop signal (p.Ala10Leufs*28) in the CDK4 gene. It is expected to result in an absent or disrupted protein product. However, the current clinical and genetic evidence is not sufficient to establish whether loss-of-function variants in CDK4 cause disease. This variant is not present in population databases (gnomAD no frequency). This variant has not been reported in the literature in individuals affected with CDK4-related conditions. Algorithms developed to predict the effect of sequence changes on RNA splicing suggest that this variant may disrupt the consensus splice site. In summary, the available evidence is currently insufficient to determine the role of this variant in disease. Therefore, it has been classified as a Variant of Uncertain Significance.

NM_000075.4(CDK4):c.28del (p.Ala10fs)

Gene: CDK4 (cyclin dependent kinase 4; minus strand). Cytogenetic location: 12q14.1.
Variant type: Deletion.
Coding change: c.28del on transcript NM_000075.4 (MANE Select); coding-DNA position 28, one base deleted (G; older notation c.28delG).
Protein change: p.Ala10fs; shifts the reading frame from alanine 10.
Molecular consequence: frameshift variant.
Genome position (GRCh38, 1-based): chr12:57,751,690, C deleted on the plus strand (G on the coding strand, the reverse complement: CDK4 is on the minus strand); the first of 2 consecutive C bases (chr12:57,751,690-57,751,691); deleting either gives the same sequence. VCF-style (leftmost placement, unchanged base first): chr12-57751689-GC-G. GRCh37 (hg19) VCF-style: chr12-58145472-GC-G.
Other names: short protein forms A10fs.
Identifiers: ClinVar variation 4734673 (VCV004734673.1).